The following is an entry in ClinVar:

NM_001267550.2(TTN):c.12875C>T (p.Pro4292Leu)

Gene: TTN (titin; minus strand). Cytogenetic location: 2q31.2.
Variant type: single nucleotide variant.
Coding change: c.12875C>T on transcript NM_001267550.2 (MANE Select); coding-DNA position 12875, C replaced by T.
Protein change: p.Pro4292Leu; replaces proline 4292 with leucine.
Molecular consequence: missense variant. On other transcripts: intron variant (1).
Genome position (GRCh38, 1-based): chr2:178,740,358, G>A on the plus strand (C>T on the coding strand, the complement: TTN is on the minus strand). VCF-style: chr2-178740358-G-A. GRCh37 (hg19) VCF-style: chr2-179605085-G-A.
Other names: c.11924C>T, p.Pro3975Leu (NM_001256850.1); c.11786C>T, p.Pro3929Leu (NM_003319.4); c.12161C>T, p.Pro4054Leu (NM_133432.3); c.12362C>T, p.Pro4121Leu (NM_133437.4); c.10361-1998C>T (NM_133378.4); short protein forms P3929L, P3975L, P4054L, P4121L, P4292L.
Identifiers: ClinVar variation 4076460 (VCV004076460.1), dbSNP rs758339589.

ClinVar aggregate classification (germline): Likely benign (1 of 4 stars; one submission).

Submission:

Molecular Diagnostic Laboratory for Inherited Cardiovascular Disease, Montreal Heart Institute
Classification: Likely benign. Last evaluated: 2025-07-24. Review status: criteria provided, single submitter. Criteria: ACMG Guidelines, 2015. Collection method: clinical testing. Allele origin: germline. Affected: no.
Comment: BP1